The following is an entry in ClinVar:

NM_000137.4(FAH):c.415delinsTC (p.Ile139fs)

Gene: FAH (fumarylacetoacetate hydrolase; plus strand). Cytogenetic location: 15q25.1.
Variant type: Indel.
Coding change: c.415delinsTC on transcript NM_000137.4 (MANE Select); coding-DNA position 415, A replaced by TC.
Protein change: p.Ile139fs; shifts the reading frame from isoleucine 139.
Molecular consequence: frameshift variant.
Genome position (GRCh38, 1-based): chr15:80,162,296, A replaced by TC. VCF-style: chr15-80162296-A-TC. GRCh37 (hg19) VCF-style: chr15-80454638-A-TC.
Other names: c.415delinsTC, p.Ile139fs (NM_001374377.1, NM_001374380.1); short protein forms I139fs.
Identifiers: ClinVar variation 4817560 (VCV004817560.1).

ClinVar aggregate classification (germline): Likely pathogenic (1 of 4 stars; one submission).

Conditions:
Tyrosinemia type I (TYRSN1). Also called: Tyrosinemia type 1; Fumarylacetoacetase deficiency; Deficiency of fumarylacetoacetase; HEPATORENAL TYROSINEMIA; FAH DEFICIENCY. Identifiers: Orphanet 882, MedGen C0268490, MONDO:0010161, OMIM 276700. Disease mechanism: loss of function.

Submission:

Natera, Inc.
Classification: Likely pathogenic for Tyrosinemia type I. Last evaluated: 2025-02-17. Review status: criteria provided, single submitter. Criteria: Natera Variant Classification Schema (03/2026). Collection method: clinical testing. Allele origin: germline.
Comment: The c.415delinsTC variant in FAH is a frameshift variant predicted to shift the reading frame beginning at codon 139 and leads to a stop codon 45 codons downstream. This variant is expected to result in nonsense mediated decay, truncation, or a dysfunctional protein product. This variant is rare in the general population with a frequency below the threshold expected for the associated phenotype(s). Given the available evidence, this variant is classified as Likely Pathogenic.